The following is an entry in ClinVar:

NM_001009944.3(PKD1):c.576_586del (p.Ala193fs)

Gene: PKD1 (polycystin 1, transient receptor potential channel interacting; minus strand). Cytogenetic location: 16p13.3.
Variant type: Deletion.
Coding change: c.576_586del on transcript NM_001009944.3 (MANE Select); coding-DNA positions 576 to 586, 11 bases deleted (GGCAGCAGTGT).
Protein change: p.Ala193fs; shifts the reading frame from alanine 193.
Molecular consequence: frameshift variant.
Genome position (GRCh38, 1-based): chr16:2,118,406-2,118,416, ACACTGCTGCC deleted on the plus strand (GGCAGCAGTGT on the coding strand, the reverse complement: PKD1 is on the minus strand); deleting any 11 consecutive bases within chr16:2,118,406-2,118,418 gives the same sequence; the c. name uses the placement nearest the transcript's 3' end. VCF-style (leftmost placement, unchanged base first): chr16-2118405-GACACTGCTGCC-G. GRCh37 (hg19) VCF-style: chr16-2168406-GACACTGCTGCC-G.
Other names: c.576_586del, p.Ala193fs (NM_000296.4); short protein forms A193fs.
Identifiers: ClinVar variation 3235179 (VCV003235179.1), dbSNP rs2544880866.
Genomic context (GRCh38, chr16:2,118,405, plus strand): 5'-GAGAAGCAGAAGGCGCTGCAGGCCTCTGGCTGAAGCAGGCCTTCGTGGGCAGCTGAAAAG[GACACTGCTGCC>G]ACGGTGCCTGAGCTGTTGTCAGGGAGGCAGGCGACATACTCCTCACCTAGAAGAGGCAGC-3'

ClinVar aggregate classification (germline): Pathogenic (1 of 4 stars; one submission).

Conditions:
Polycystic kidney disease, adult type (PKD1). Also called: Polycystic Kidney Disease 1, Autosomal Dominant; Polycystic kidney disease 1; Polycystic kidney disease 1, severe; Polycystic Kidney, Autosomal Dominant; POLYCYSTIC KIDNEY DISEASE 1 WITH OR WITHOUT POLYCYSTIC LIVER DISEASE; POLYCYSTIC KIDNEY DISEASE, ADULT, TYPE I. Identifiers: MedGen C3149841, MONDO:0008263, OMIM 173900.

Submission:

MVZ Medizinische Genetik Mainz
Classification: Pathogenic for Polycystic kidney disease, adult type. Last evaluated: 2023-02-21. Review status: criteria provided, single submitter. Criteria: UK Practice Guidelines For Variant Classification V4 01 2020. Collection method: clinical testing. Allele origin: germline. Inheritance: Autosomal dominant inheritance. Affected: yes. Observed: 1 variant allele.
Comment: ACMG Criteria: PVS1, PM2_SUP, PP4 (ACMG Version 4)